The following is an entry in ClinVar:

NC_000023.11:g.(?_13735066)_(13769113_?)del

Gene: OFD1 (OFD1 centriole and centriolar satellite protein; plus strand). Cytogenetic location: Xp22.2.
Variant type: Deletion.
Identifiers: ClinVar variation 830684 (VCV000830684.1).

ClinVar aggregate classification (germline): Pathogenic (1 of 4 stars; one submission).

Conditions:
Orofaciodigital syndrome I (OFD1). Also called: OFDS I; Oral-Facial-Digital Syndrome Type I; Papillon-Leage and Psaume Syndrome. Identifiers: Orphanet 2750, MedGen C1510460, MONDO:0010702, OMIM 311200.
Joubert syndrome. Also called: CEREBELLOPARENCHYMAL DISORDER IV; JOUBERT-BOLTSHAUSER SYNDROME; Familial aplasia of the vermis. Identifiers: Orphanet 475, MedGen C5979921, MONDO:0018772.

Submission:

Labcorp Genetics (formerly Invitae), Labcorp
Classification: Pathogenic for Orofaciodigital syndrome I; Joubert syndrome. Last evaluated: 2019-01-11. Review status: criteria provided, single submitter. Criteria: Invitae Variant Classification Sherloc (09022015). Collection method: clinical testing. Allele origin: germline.
Comment: A gross deletion of the genomic region encompassing the full coding sequence of the OFD1 gene has been identified. The boundaries of this event are unknown as the deletion extends beyond the assayed region for this gene and therefore may encompass additional genes. A similar gross deletion of OFD1 has been reported in individuals affected with Oral-facial-digital syndrome (PMID: 23033313) or Joubert syndrome (PMID:24476948). In one of the individuals affected with Oral-facial-digital syndrome the variant was reported as de novo (PMID: 23033313). Loss-of-function variants in OFD1 are known to be pathogenic (PMID: 16783569, 18546297, 27081566). For these reasons, this variant has been classified as Pathogenic.

Literature cited by the submitters: PubMed 24476948; PubMed 23033313.